The following is an entry in ClinVar:

ClinVar aggregate classification (germline): Pathogenic (1 of 4 stars; one submission).

Conditions:
Multiple gastrointestinal atresias. Also called: FAMILIAL INTESTINAL POLYATRESIA SYNDROME; Multiple intestinal atresia. Identifiers: Orphanet 2300, MedGen C0220744, MONDO:0009465.

Submission:

Labcorp Genetics (formerly Invitae), Labcorp
Classification: Pathogenic for Multiple gastrointestinal atresias. Last evaluated: 2022-12-09. Review status: criteria provided, single submitter. Criteria: Invitae Variant Classification Sherloc (09022015). Collection method: clinical testing. Allele origin: germline.
Comment: This sequence change creates a premature translational stop signal (p.Pro59Argfs*20) in the TTC7A gene. It is expected to result in an absent or disrupted protein product. Loss-of-function variants in TTC7A are known to be pathogenic (PMID: 23830146, 24292712). This variant is not present in population databases (gnomAD no frequency). This variant has not been reported in the literature in individuals affected with TTC7A-related conditions. For these reasons, this variant has been classified as Pathogenic.

Literature cited by the submitters: PubMed 23830146; PubMed 24292712.

NM_020458.4(TTC7A):c.176del (p.Pro59fs)

Genes: MCFD2 (multiple coagulation factor deficiency 2, ER cargo receptor complex subunit; minus strand), TTC7A (tetratricopeptide repeat domain 7A; plus strand). Cytogenetic location: 2p21.
Variant type: Deletion.
Coding change: c.176del on transcript NM_020458.4 (MANE Select); coding-DNA position 176, one base deleted (C; older notation c.176delC).
Protein change: p.Pro59fs; shifts the reading frame from proline 59.
Molecular consequence: frameshift variant. On other transcripts: 5 prime UTR variant (3), intron variant (1).
Genome position (GRCh38, 1-based): chr2:46,941,717, C deleted; the last of 2 consecutive C bases (chr2:46,941,716-46,941,717); deleting either gives the same sequence. VCF-style (leftmost placement, unchanged base first): chr2-46941715-TC-T. GRCh37 (hg19) VCF-style: chr2-47168854-TC-T.
Other names: c.176del, p.Pro59fs (NM_001288951.2); c.-729del (NM_001288955.2); c.-151del (NM_001171508.2); c.-53del (NM_001171511.3); c.83-8646del (NM_001288953.2); short protein forms P59fs.
Identifiers: ClinVar variation 2819608 (VCV002819608.3), dbSNP rs2466129998, ClinGen allele CA2739274351.
Genomic context (GRCh38, chr2:46,941,715, plus strand): 5'-GCTGAGCATGCCCGGCGGCGGAGGTAACAGGCGAGGCAGCCCGAGCGCAGCGTTCACCTT[TC>T]CGGACACCGGTGAGTAAGGGAAGAGGCTGGCTCGCCGGCAGCGAGCGCGCGAAACGCACC-3'